The following is an entry in ClinVar:

ClinVar aggregate classification (germline): Pathogenic (1 of 4 stars; one submission).

Conditions:
PKD2-related disorder. Also called: PKD2-related condition.

Submission:

PreventionGenetics, part of Exact Sciences
Classification: Pathogenic for PKD2-related condition. Last evaluated: 2025-05-29. Review status: criteria provided, single submitter. Criteria: ACMG Guidelines, 2015. Collection method: clinical testing. Allele origin: germline.
Comment: The PKD2 c.513_514delGG variant is predicted to result in a frameshift and premature protein termination (p.Asp172Profs*40). To our knowledge, this variant has not been reported in the literature or in a large population database (gnomAD), indicating this variant is rare. Frameshift variants in PKD2 are expected to be pathogenic. This variant is interpreted as pathogenic.

NM_000297.4(PKD2):c.513_514del (p.Asp172fs)

Genes: PKD2 (polycystin 2, transient receptor potential cation channel; plus strand), LOC129992813 (ATAC-STARR-seq lymphoblastoid silent region 15559; plus strand). Cytogenetic location: 4q22.1.
Variant type: Deletion.
Coding change: c.513_514del on transcript NM_000297.4 (MANE Select); coding-DNA positions 513 to 514, 2 bases deleted (GG; older notation c.513_514delGG).
Protein change: p.Asp172fs; shifts the reading frame from aspartic acid 172.
Molecular consequence: frameshift variant. On other transcripts: non-coding transcript variant (1).
Genome position (GRCh38, 1-based): chr4:88,008,246-88,008,247, GG deleted; deleting any 2 consecutive bases within chr4:88,008,244-88,008,247 gives the same sequence; the c. name uses the placement nearest the transcript's 3' end. VCF-style (leftmost placement, unchanged base first): chr4-88008243-CGG-C. GRCh37 (hg19) VCF-style: chr4-88929395-CGG-C.
Other names: c.513_514del, p.Asp172fs (NM_001440544.1); short protein forms D172fs.
Identifiers: ClinVar variation 4997538 (VCV004997538.1).
Genomic context (GRCh38, chr4:88,008,243, plus strand): 5'-GAGCGGGAGGCGGCGCCGGCGAGAGGACCAGGGCCCGCCGTGCCCCAGCCCAGTCGGCGG[CGG>C]GGACCCGCTGCATCGCCACCTCCCCCTGGAAGGGCAGCCGCCCCGAGTGGCCTGGGCGGA-3'